The following is an entry in ClinVar:

NM_001110556.2(FLNA):c.4993C>T (p.Gln1665Ter)

Gene: FLNA (filamin A; minus strand). Cytogenetic location: Xq28.
Variant type: single nucleotide variant.
Coding change: c.4993C>T on transcript NM_001110556.2 (MANE Select); coding-DNA position 4993, C replaced by T.
Protein change: p.Gln1665Ter; replaces glutamine 1665 with a stop codon.
Molecular consequence: nonsense.
Genome position (GRCh38, 1-based): chrX:154,355,049, G>A on the plus strand (C>T on the coding strand, the complement: FLNA is on the minus strand). VCF-style: chrX-154355049-G-A. GRCh37 (hg19) VCF-style: chrX-153583417-G-A.
Other names: c.4969C>T, p.Gln1657Ter (NM_001456.4); short protein forms Q1657*, Q1665*.
Identifiers: ClinVar variation 4785585 (VCV004785585.1).

ClinVar aggregate classification (germline): Pathogenic (1 of 4 stars; one submission).

Conditions:
Heterotopia, periventricular, X-linked dominant (PVNH1). Also called: PERIVENTRICULAR NODULAR HETEROTOPIA 4; HETEROTOPIA, PERIVENTRICULAR, 1; PERIVENTRICULAR NODULAR HETEROTOPIA 1; X-linked periventricular heterotopia. Identifiers: Orphanet 2149, Orphanet 82004, MedGen C1848213, MONDO:0010233, OMIM 300049.
Oto-palato-digital syndrome, type II (OPD2). Also called: Otopalatodigital Syndrome, Type II; FACIOPALATOOSSEOUS SYNDROME; OPD II SYNDROME; Otopalatodigital Syndrome Type 2 (FLNA-OPD2). Identifiers: Orphanet 669, Orphanet 90652, MedGen C1844696, MONDO:0010571, OMIM 304120.
Melnick-Needles syndrome (MNS). Also called: MELNICK-NEEDLES OSTEODYSPLASTY; OSTEODYSPLASTY OF MELNICK AND NEEDLES; Melnick-Needles Syndrome (FLNA-MNS). Identifiers: Orphanet 2484, MedGen C0025237, MONDO:0010650, OMIM 309350.
Frontometaphyseal dysplasia (FMD1). Identifiers: Orphanet 1826, MedGen C0265293, MONDO:0015942.

Submission:

Labcorp Genetics (formerly Invitae), Labcorp
Classification: Pathogenic for Oto-palato-digital syndrome, type II; Heterotopia, periventricular, X-linked dominant; Frontometaphyseal dysplasia; Melnick-Needles syndrome. Last evaluated: 2025-07-25. Review status: criteria provided, single submitter. Criteria: Invitae Variant Classification Sherloc (09022015). Collection method: clinical testing. Allele origin: germline.
Comment: This sequence change creates a premature translational stop signal (p.Gln1657*) in the FLNA gene. It is expected to result in an absent or disrupted protein product. Loss-of-function variants in FLNA are known to be pathogenic (PMID: 16684786, 20730588, 26471271). This variant is not present in population databases (gnomAD no frequency). This variant has not been reported in the literature in individuals affected with FLNA-related conditions. Algorithms developed to predict the effect of sequence changes on RNA splicing suggest that this variant may disrupt the consensus splice site. For these reasons, this variant has been classified as Pathogenic.

Literature cited by the submitters: PubMed 16684786; PubMed 20730588; PubMed 26471271.